The following is an entry in ClinVar:

NM_152327.5(AK7):c.265C>T (p.Arg89Trp)

Gene: AK7 (adenylate kinase 7; plus strand). Cytogenetic location: 14q32.2.
Variant type: single nucleotide variant.
Coding change: c.265C>T on transcript NM_152327.5 (MANE Select); coding-DNA position 265, C replaced by T.
Protein change: p.Arg89Trp; replaces arginine 89 with tryptophan.
Molecular consequence: missense variant.
Genome position (GRCh38, 1-based): chr14:96,398,234, C>T. VCF-style: chr14-96398234-C-T. GRCh37 (hg19) VCF-style: chr14-96864571-C-T.
Other names: c.265C>T, p.Arg89Trp (NM_001350888.2, NM_001350890.2, NM_001350891.2 and 1 more transcripts); short protein forms R89W.
Identifiers: ClinVar variation 1501554 (VCV001501554.6), dbSNP rs199700054, ClinGen allele CA7337392.

ClinVar aggregate classification (germline): Uncertain significance (1 of 4 stars; one submission).

Allele frequency attached by ClinVar (database versions not stated): TOPMed 0.00002; gnomAD 0.00003; ExAC 0.00005.
gnomAD v4.1: 30 of 1,613,376 alleles (0.0019%); highest among the groups gnomAD compares: East Asian, 0.0022%; no homozygotes.

Submission:

Labcorp Genetics (formerly Invitae), Labcorp
Classification: Uncertain significance. Last evaluated: 2021-09-10. Review status: criteria provided, single submitter. Criteria: Invitae Variant Classification Sherloc (09022015). Collection method: clinical testing. Allele origin: germline.
Comment: This sequence change replaces arginine with tryptophan at codon 89 of the AK7 protein (p.Arg89Trp). The arginine residue is weakly conserved and there is a moderate physicochemical difference between arginine and tryptophan. This variant is present in population databases (rs199700054, ExAC 0.009%). This variant has not been reported in the literature in individuals affected with AK7-related conditions. Algorithms developed to predict the effect of missense changes on protein structure and function are either unavailable or do not agree on the potential impact of this missense change (SIFT: "Deleterious"; PolyPhen-2: "Possibly Damaging"; Align-GVGD: "Class C0"). In summary, the available evidence is currently insufficient to determine the role of this variant in disease. Therefore, it has been classified as a Variant of Uncertain Significance.